The following is an entry in ClinVar:

NM_001267550.2(TTN):c.25392A>C (p.Ser8464=)

Gene: TTN (titin; minus strand). Cytogenetic location: 2q31.2.
Variant type: single nucleotide variant.
Coding change: c.25392A>C on transcript NM_001267550.2 (MANE Select); coding-DNA position 25392, A replaced by C.
Protein change: p.Ser8464=; no amino-acid change (serine 8464 retained).
Molecular consequence: synonymous variant. On other transcripts: intron variant (3).
Genome position (GRCh38, 1-based): chr2:178,717,342, T>G on the plus strand (A>C on the coding strand, the complement: TTN is on the minus strand). VCF-style: chr2-178717342-T-G. GRCh37 (hg19) VCF-style: chr2-179582069-T-G.
Other names: c.24441A>C, p.Ser8147= (NM_001256850.1); c.21660A>C, p.Ser7220= (NM_133378.4); c.13282+20740A>C (NM_003319.4); c.13858+20740A>C (NM_133437.4); c.13657+20740A>C (NM_133432.3).
Identifiers: ClinVar variation 512344 (VCV000512344.6), dbSNP rs766560212, ClinGen allele CA2000221.

ClinVar aggregate classification (germline): Likely benign. Review status: criteria provided, multiple submitters, no conflicts (2 of 4 stars). 3 submissions from 3 submitters: Likely benign (3). Last evaluated 2025-12-23.

Conditions:
Autosomal recessive limb-girdle muscular dystrophy type 2J (LGMDR10). Also called: MUSCULAR DYSTROPHY, LIMB-GIRDLE, AUTOSOMAL RECESSIVE 10; Limb-girdle muscular dystrophy, type 2J. Identifiers: Orphanet 140922, MedGen C1837342, MONDO:0012127, OMIM 608807.
Dilated cardiomyopathy 1G (CMD1G). Identifiers: Orphanet 154, MedGen C1858763, MONDO:0011400, OMIM 604145.

Allele frequency attached by ClinVar (database versions not stated): gnomAD 0.00001; gnomAD exomes 0.00001; TOPMed 0.00001; ExAC 0.00002.
gnomAD v4.1: 19 of 1,612,928 alleles (0.0012%); highest among the groups gnomAD compares: Non-Finnish European, 0.0014%; no homozygotes.

Submissions (3):

Labcorp Genetics (formerly Invitae), Labcorp
Classification: Likely benign for Dilated cardiomyopathy 1G; Autosomal recessive limb-girdle muscular dystrophy type 2J. Last evaluated: 2025-12-23. Review status: criteria provided, single submitter. Criteria: Invitae Variant Classification Sherloc (09022015). Collection method: clinical testing. Allele origin: germline.

Women's Health and Genetics/Laboratory Corporation of America, LabCorp
Classification: Likely benign. Last evaluated: 2023-05-06. Review status: criteria provided, single submitter. Criteria: LabCorp Variant Classification Summary - May 2015. Collection method: clinical testing. Allele origin: germline.

GeneDx
Classification: Likely benign. Last evaluated: 2017-09-21. Review status: criteria provided, single submitter. Criteria: GeneDx Variant Classification (06012015). Collection method: clinical testing. Allele origin: germline. Affected: yes.
Comment: This variant is considered likely benign or benign based on one or more of the following criteria: it is a conservative change, it occurs at a poorly conserved position in the protein, it is predicted to be benign by multiple in silico algorithms, and/or has population frequency not consistent with disease.